The following is an entry in ClinVar:

ClinVar aggregate classification (germline): Uncertain significance (1 of 4 stars; one submission).

Conditions:
Left ventricular noncompaction 8 (LVNC8). Identifiers: Orphanet 154, Orphanet 54260, MedGen C3809288, MONDO:0014152, OMIM 615373.

Submission:

Labcorp Genetics (formerly Invitae), Labcorp
Classification: Uncertain significance for Left ventricular noncompaction 8. Last evaluated: 2025-05-01. Review status: criteria provided, single submitter. Criteria: Invitae Variant Classification Sherloc (09022015). Collection method: clinical testing. Allele origin: germline.
Comment: This sequence change replaces methionine, which is neutral and non-polar, with lysine, which is basic and polar, at codon 1189 of the PRDM16 protein (p.Met1189Lys). This variant is not present in population databases (gnomAD no frequency). This variant has not been reported in the literature in individuals affected with PRDM16-related conditions. An algorithm developed to predict the effect of missense changes on protein structure and function (PolyPhen-2) suggests that this variant is likely to be tolerated. In summary, the available evidence is currently insufficient to determine the role of this variant in disease. Therefore, it has been classified as a Variant of Uncertain Significance.

NM_022114.4(PRDM16):c.3566T>A (p.Met1189Lys)

Gene: PRDM16 (PR/SET domain 16; plus strand). Cytogenetic location: 1p36.32.
Variant type: single nucleotide variant.
Coding change: c.3566T>A on transcript NM_022114.4 (MANE Select); coding-DNA position 3566, T replaced by A.
Protein change: p.Met1189Lys; replaces methionine 1189 with lysine.
Molecular consequence: missense variant.
Genome position (GRCh38, 1-based): chr1:3,432,010, T>A. VCF-style: chr1-3432010-T-A. GRCh37 (hg19) VCF-style: chr1-3348574-T-A.
Other names: c.3566T>A, p.Met1189Lys (NM_199454.3); short protein forms M1189K.
Identifiers: ClinVar variation 4762437 (VCV004762437.1).
Genomic context (GRCh38, chr1:3,432,010, plus strand): 5'-CCGGTCATTGGTGCAGGTGTGCTGAGGACCACGAAGGCGGTCTGTTAGCTTTGGAGCCGA[T>A]GCCGACTTTTGGGAAGGGGCTGGACCTCCGCAGAGCAGCTGAGGAAGCATTTGAAGTTAA-3'
Protein context (NP_071397.3, residues 1179-1199): HEGGLLALEP[Met1189Lys]PTFGKGLDLR